The following is an entry in ClinVar:

ClinVar aggregate classification (germline): Uncertain significance (1 of 4 stars; one submission).

gnomAD v4.1: 2 of 1,599,238 alleles (0.00013%); highest among the groups gnomAD compares: Non-Finnish European, 0.000085%; no homozygotes.

Submission:

Labcorp Genetics (formerly Invitae), Labcorp
Classification: Uncertain significance. Last evaluated: 2025-12-17. Review status: criteria provided, single submitter. Criteria: Invitae Variant Classification Sherloc (09022015). Collection method: clinical testing. Allele origin: germline.
Comment: This sequence change replaces proline, which is neutral and non-polar, with alanine, which is neutral and non-polar, at codon 831 of the BRD4 protein (p.Pro831Ala). This variant is not present in population databases (gnomAD no frequency). This variant has not been reported in the literature in individuals affected with BRD4-related conditions. An algorithm developed to predict the effect of missense changes on protein structure and function (PolyPhen-2) suggests that this variant is likely to be tolerated. In summary, the available evidence is currently insufficient to determine the role of this variant in disease. Therefore, it has been classified as a Variant of Uncertain Significance.

NM_001379291.1(BRD4):c.2491C>G (p.Pro831Ala)

Gene: BRD4 (bromodomain containing 4; minus strand). Cytogenetic location: 19p13.12.
Variant type: single nucleotide variant.
Coding change: c.2491C>G on transcript NM_001379291.1 (MANE Select); coding-DNA position 2491, C replaced by G.
Protein change: p.Pro831Ala; replaces proline 831 with alanine.
Molecular consequence: missense variant.
Genome position (GRCh38, 1-based): chr19:15,244,321, G>C on the plus strand (C>G on the coding strand, the complement: BRD4 is on the minus strand). VCF-style: chr19-15244321-G-C. GRCh37 (hg19) VCF-style: chr19-15355132-G-C.
Other names: c.2491C>G, p.Pro831Ala (NM_058243.3); short protein forms P831A.
Identifiers: ClinVar variation 4765371 (VCV004765371.1).